The following is an entry in ClinVar:

ClinVar aggregate classification (germline): Uncertain significance (1 of 4 stars; one submission).

Conditions:
Epileptic encephalopathy. Identifiers: MedGen C0543888, HP:0200134.

Submission:

Labcorp Genetics (formerly Invitae), Labcorp
Classification: Uncertain significance for Epileptic encephalopathy. Last evaluated: 2024-07-30. Review status: criteria provided, single submitter. Criteria: Invitae Variant Classification Sherloc (09022015). Collection method: clinical testing. Allele origin: germline.
Comment: This sequence change affects codon 805 of the GABBR2 mRNA. It is a 'silent' change, meaning that it does not change the encoded amino acid sequence of the GABBR2 protein. It affects a nucleotide within the consensus splice site. This variant is not present in population databases (gnomAD no frequency). This variant has not been reported in the literature in individuals affected with GABBR2-related conditions. Algorithms developed to predict the effect of sequence changes on RNA splicing suggest that this variant is not likely to affect RNA splicing. In summary, the available evidence is currently insufficient to determine the role of this variant in disease. Therefore, it has been classified as a Variant of Uncertain Significance.

NM_005458.8(GABBR2):c.2413C>T (p.Leu805=)

Gene: GABBR2 (gamma-aminobutyric acid type B receptor subunit 2; minus strand). Cytogenetic location: 9q22.33.
Variant type: single nucleotide variant.
Coding change: c.2413C>T on transcript NM_005458.8 (MANE Select); coding-DNA position 2413, C replaced by T.
Protein change: p.Leu805=; no amino-acid change (leucine 805 retained).
Molecular consequence: synonymous variant.
Genome position (GRCh38, 1-based): chr9:98,299,353, G>A on the plus strand (C>T on the coding strand, the complement: GABBR2 is on the minus strand). VCF-style: chr9-98299353-G-A. GRCh37 (hg19) VCF-style: chr9-101061635-G-A.
Identifiers: ClinVar variation 3660946 (VCV003660946.2).
Genomic context (GRCh38, chr9:98,299,353, plus strand): 5'-AGGTGGTCTTTTCTGGTGTGTCCTGCAGCTGCATGGTGACCTCTTCCAAGTCTTTATCCA[G>A]CTACAAGACAAAGGTTCCAGTTGAGTCAGGTCCCTGGCCCAGCCCTGGCAGCTAGGCCAC-3'
Protein context (NP_005449.5, residues 795-815): NHRLRMKITE[Leu805=]DKDLEEVTMQ